The following is an entry in ClinVar:

ClinVar aggregate classification (germline): Uncertain significance (1 of 4 stars; one submission).

Conditions:
Combined immunodeficiency with skin granulomas. Identifiers: Orphanet 157949, MedGen C2673536, MONDO:0009306, OMIM 233650.
Severe combined immunodeficiency, autosomal recessive, T cell-negative, B cell-negative, NK cell-positive. Also called: SCID, T CELL-NEGATIVE, B CELL-NEGATIVE, NK CELL-POSITIVE; Severe combined immunodeficiency due to complete RAG1/2 deficiency; SCID, AR, T-cell negative, B-cell negative, NK cell-positive. Identifiers: Orphanet 331206, MedGen C1832322, MONDO:0011086, OMIM 601457.

Submission:

Labcorp Genetics (formerly Invitae), Labcorp
Classification: Uncertain significance for Combined immunodeficiency with skin granulomas; Severe combined immunodeficiency, autosomal recessive, T cell-negative, B cell-negative, NK cell-positive. Last evaluated: 2022-09-27. Review status: criteria provided, single submitter. Criteria: Invitae Variant Classification Sherloc (09022015). Collection method: clinical testing. Allele origin: germline.
Comment: This sequence change replaces valine, which is neutral and non-polar, with isoleucine, which is neutral and non-polar, at codon 258 of the RAG2 protein (p.Val258Ile). In summary, the available evidence is currently insufficient to determine the role of this variant in disease. Therefore, it has been classified as a Variant of Uncertain Significance. Algorithms developed to predict the effect of missense changes on protein structure and function output the following: SIFT: "Tolerated"; PolyPhen-2: "Possibly Damaging"; Align-GVGD: "Class C0". The isoleucine amino acid residue is found in multiple mammalian species, which suggests that this missense change does not adversely affect protein function. This variant has not been reported in the literature in individuals affected with RAG2-related conditions. This variant is not present in population databases (gnomAD no frequency).

NM_000536.4(RAG2):c.772G>A (p.Val258Ile)

Gene: RAG2 (recombination activating 2; minus strand). Cytogenetic location: 11p12.
Variant type: single nucleotide variant.
Coding change: c.772G>A on transcript NM_000536.4 (MANE Select); coding-DNA position 772, G replaced by A.
Protein change: p.Val258Ile; replaces valine 258 with isoleucine.
Molecular consequence: missense variant.
Genome position (GRCh38, 1-based): chr11:36,593,397, C>T on the plus strand (G>A on the coding strand, the complement: RAG2 is on the minus strand). VCF-style: chr11-36593397-C-T. GRCh37 (hg19) VCF-style: chr11-36614947-C-T.
Other names: c.772G>A, p.Val258Ile (NM_001243785.2, NM_001243786.2); short protein forms V258I.
Identifiers: ClinVar variation 2128495 (VCV002128495.4), dbSNP rs2494793479, ClinGen allele CA380142146.